The following is an entry in ClinVar:

ClinVar aggregate classification (germline): Likely pathogenic; drug response. Review status: reviewed by expert panel (3 of 4 stars). 15 submissions from 10 submitters: Likely pathogenic (1). 9 of the submissions do not count toward it. Last evaluated 2022-07-11.

Conditions:
Aminoglycoside Ototoxicity.
Primary Mitochondrial Disorders. Identifiers: MedGen CN381104.
Rare genetic deafness. Identifiers: Orphanet 96210, MedGen C5680250.
Mitochondrial disease. Also called: Mitochondrial disorders; Mitochondrial disorder. Identifiers: Orphanet 68380, MedGen C0751651, MeSH D028361, MONDO:0044970.
Mitochondrial non-syndromic sensorineural hearing loss. Also called: Nonsyndromic Hearing Loss and Deafness, Mitochondrial. Identifiers: Orphanet 90641, MedGen C3151897, MONDO:0010779, OMIM 500008.
Gentamicin response. Also called: Gentamicin sulfate response; Garamycin response; Cidomycin response; Septopal response. Identifiers: MedGen CN184225.
Aminoglycoside-induced deafness. Also called: MT-RNR1-Related Hearing Loss and Deafness; STREPTOMYCIN OTOTOXICITY; DEAFNESS, STREPTOMYCIN-INDUCED. Identifiers: Orphanet 168609, MedGen C1838854, MONDO:0010799, OMIM 580000.
tobramycin response - Toxicity.
aminoglycoside antibacterials response - Toxicity.
kanamycin response - Toxicity.
streptomycin response - Toxicity.
gentamicin response - Toxicity.

Submissions 1 to 8 of 15:

ClinGen Mitochondrial Disease Nuclear and Mitochondrial  Variant Curation Expert Panel, ClinGen
Classification: Likely pathogenic for Mitochondrial disease. Last evaluated: 2022-07-11. Review status: reviewed by expert panel. Criteria: clingen mito disease acmg specifications v1-1. Collection method: curation. Allele origin: germline. Inheritance: Mitochondrial inheritance.
Comment: The m.1494C>T variant in the MT-RNR1 gene has been reported in >16 unrelated individuals with primary mitochondrial disease with non-syndromic hearing loss with and without aminoglycoside exposure. All were homoplasmic for the variant with the exception of one case who was heteroplasmic at 85.1% in blood (PS4; PMIDs: 34467602, 20100600, 17084680, 16380089, 17434445, 17698299, 17698030, 30693673, 14681830). Given the homoplasmic nature of this variant, familial segregation cannot be applied for PP1. There are no reports of de novo occurrences to our knowledge. This variant occurs in a highly conserved area and forms U1494-1555A base pair which is in the same position of the C1494-1555G pair created in a well-known pathogenic variant m.1555A>G (PM5_supporting; PMID: 14681830). Cybrid studies support the functional impact of this variant. Compared to control cybrids, there was a decrease in mitochondrial protein synthesis and high concentration of paromomycin in cybrids derived from three symptomatic and two asymptomatic individuals carrying the m.1494C>T variant (PS3_supporting; PMID: 15722487). This variant is present in population databases (Mitomap's 51,863 sequences: AF=0.007%; Helix's 196,554 sequences: AF=0.021%; and gnomAD v3.1.2: AF=0.0023% as this is homoplasmic in 13 individuals and heteroplasmic in one individual). Given the frequency of this variant, it does not meet PM2 criterion. There is limited computational scoring for rRNA variants precluding PP3 criterion. In summary, this variant meets criteria to be classified as likely pathogenic for primary mitochondrial disease inherited in a mitochondrial manner. This classification was approved by the NICHD/NINDS U24 ClinGen Mitochondrial Disease Variant Curation Expert Panel on July 11, 2022. Mitochondrial DNA-specific ACMG/AMP criteria applied: PS3_supporting, PS4, PM5_supporting.

ClinPGx
Classification: drug response for aminoglycoside antibacterials response - Toxicity. Last evaluated: 2021-06-15. Review status: reviewed by expert panel. Criteria: Pharmacogenomics knowledge for personalized medicine. Collection method: curation. Allele origin: germline. Affected: yes.
Comment: PharmGKB Level of Evidence 1A: Level 1A clinical annotations describe variant-drug combinations that have variant-specific prescribing guidance available in a current clinical guideline annotation or an FDA-approved drug label annotation. Annotations of drug labels or clinical guidelines must give prescribing guidance for specific variants (e.g. CYP2C9*3, HLA-B*57:01) or provide mapping from defined allele functions to diplotypes and phenotypes to be used as supporting evidence for a level 1A clinical annotation. Level 1A clinical annotations must also be supported by at least one publication in addition to a clinical guideline or drug label with variant-specific prescribing guidance.

Drug is not necessarily used to treat response condition

ClinPGx
Classification: drug response for gentamicin response - Toxicity. Last evaluated: 2021-06-15. Review status: reviewed by expert panel. Criteria: Pharmacogenomics knowledge for personalized medicine. Collection method: curation. Allele origin: germline. Affected: yes.
Comment: the same text as in the submission from ClinPGx above.

ClinPGx
Classification: drug response for kanamycin response - Toxicity. Last evaluated: 2021-06-15. Review status: reviewed by expert panel. Criteria: Pharmacogenomics knowledge for personalized medicine. Collection method: curation. Allele origin: germline. Affected: yes.
Comment: the same text as in the submission from ClinPGx above.

ClinPGx
Classification: drug response for streptomycin response - Toxicity. Last evaluated: 2021-06-15. Review status: reviewed by expert panel. Criteria: Pharmacogenomics knowledge for personalized medicine. Collection method: curation. Allele origin: germline. Affected: yes.
Comment: the same text as in the submission from ClinPGx above.

ClinPGx
Classification: drug response for tobramycin response - Toxicity. Last evaluated: 2021-06-15. Review status: reviewed by expert panel. Criteria: Pharmacogenomics knowledge for personalized medicine. Collection method: curation. Allele origin: germline. Affected: yes.
Comment: the same text as in the submission from ClinPGx above.

OLLIN Analises Genomicas, OLLIN
Classification: Likely pathogenic for Mitochondrial non-syndromic sensorineural hearing loss. Last evaluated: 2026-08-06. Review status: criteria provided, single submitter. Criteria: ACMG Guidelines 2015 PMID 25741868. Collection method: clinical testing. Allele origin: germline. Not counted in ClinVar's aggregate classification.
Comment: This variant, located in exon 1 (of 1), has been observed in gnomAD with an allele frequency of 0.025%, reported in ClinVar (ID: 9632) and in the scientific literature in individuals with RNR1 related disorders (PMID: 15722487, 34467602, 20100600, 17084680, 16380089, 17434445, 17698299, 17698030, 30693673, 14681830). Functional studies suggest that this variant may affect protein function (PMID: 15722487). Another pathogenic variant affecting the same amino acid residue has been reported (PMID: 14681830). According to the currently available evidence, this variant has been classified as likely pathogenic (PS3_P, PS4, PM5_P).

Variantyx, Inc.
Classification: Likely pathogenic for Primary mitochondrial disorders. Last evaluated: 2025-09-18. Review status: criteria provided, single submitter. Criteria: Variantyx Assertion Criteria 2022. Collection method: clinical testing. Allele origin: germline. Affected: no. Not counted in ClinVar's aggregate classification.
Comment: The m.1494C>T change is a variant in the MT-RNR1 gene, which encodes mitochondrial ribosomal RNA. Pathogenic variants in this gene have been associated with primary mitochondrial disorders. This variant has been reported in several unrelated affected individuals (PMID: 17698030, 14681830, 16380089, 17698299, 17434445, 34467602, 20100600, 30693673, 17084680) (PS4). Functional studies support a deleterious effect for this variant (PMID: 15722487) (PS3). An alternate change at this position (1494-1555 C-G) has been previously reported in affected individuals (PMID: 14681830, 19818876, 18820594, 18386806). Other reputable laboratories have reported this variant as pathogenic or likely pathogenic, and this classification has been validated by an expert panel in ClinVar (PP5). This variant has a 0.0230% homoplasmic allele frequency in control populations. Based on the current evidence, this variant is classified as likely pathogenic for primary mitochondrial disorders.

NC_012920.1(MT-RNR1):m.1494C>T

Genes: MT-RNR1 (mitochondrially encoded 12S RNA; plus strand), MT-TS1 (mitochondrially encoded tRNA serine 1 (UCN); minus strand), RNR1 (RNA, ribosomal 45S cluster 1).
Variant type: single nucleotide variant.
Genome position: chrM-1494-C-T.
Other names: m.1494C>T; C1494T; 1494C-T.
Identifiers: ClinVar variation 9632 (VCV000009632.22), dbSNP rs267606619, ClinGen allele CA254847.